The following is an entry in ClinVar:

ClinVar aggregate classification (germline): Uncertain significance (1 of 4 stars; one submission).

Allele frequency attached by ClinVar (database versions not stated): TOPMed below 0.00001; gnomAD 0.00001.
gnomAD v4.1: 7 of 1,263,936 alleles (0.00055%); highest among the groups gnomAD compares: Non-Finnish European, 0.0007%; no homozygotes.

Submission:

Labcorp Genetics (formerly Invitae), Labcorp
Classification: Uncertain significance. Last evaluated: 2024-07-12. Review status: criteria provided, single submitter. Criteria: Invitae Variant Classification Sherloc (09022015). Collection method: clinical testing. Allele origin: germline.
Comment: This sequence change replaces serine, which is neutral and polar, with proline, which is neutral and non-polar, at codon 15 of the GSN protein (p.Ser15Pro). This variant is present in population databases (no rsID available, gnomAD 0.007%). This variant has not been reported in the literature in individuals affected with GSN-related conditions. ClinVar contains an entry for this variant (Variation ID: 1518533). An algorithm developed to predict the effect of missense changes on protein structure and function (PolyPhen-2) suggests that this variant is likely to be tolerated. In summary, the available evidence is currently insufficient to determine the role of this variant in disease. Therefore, it has been classified as a Variant of Uncertain Significance.

NM_198252.3(GSN):c.-9-2059T>C

Gene: GSN (gelsolin; plus strand). Cytogenetic location: 9q33.2.
Variant type: single nucleotide variant.
Coding change: c.-9-2059T>C on transcript NM_198252.3 (MANE Select); 2059 bases into the intron before 9 bases upstream of the start codon, T replaced by C.
Molecular consequence: intron variant. On other transcripts: missense variant (1).
Genome position (GRCh38, 1-based): chr9:121,299,904, T>C. VCF-style: chr9-121299904-T-C. GRCh37 (hg19) VCF-style: chr9-124062182-T-C.
Other names: c.43T>C, p.Ser15Pro (NM_000177.5); c.-9-2059T>C (NM_001353054.1, NM_001353053.1, NM_001353060.2 and 5 more transcripts); c.-47-152T>C (NM_001353064.2, NM_001353066.2, NM_001353072.2 and 8 more transcripts); c.-1-2067T>C (NM_001353058.2, NM_001353059.2, NM_001353056.2 and 1 more transcripts); c.-38-161T>C (NM_001353073.2, NM_001353065.2, NM_001353068.2 and 2 more transcripts); c.100-2059T>C (NM_001127663.2); c.-32-167T>C (NM_001353070.2); c.-48-2020T>C (NM_001353055.2); and 3 more; short protein forms S15P.
Identifiers: ClinVar variation 1518533 (VCV001518533.8), dbSNP rs1285468090, ClinGen allele CA374751611.